The following is an entry in ClinVar:

NM_014297.5(ETHE1):c.227-9C>G

Gene: ETHE1 (ETHE1 persulfide dioxygenase; minus strand). Cytogenetic location: 19q13.31.
Variant type: single nucleotide variant.
Coding change: c.227-9C>G on transcript NM_014297.5 (MANE Select); 9 bases into the intron before coding-DNA position 227, C replaced by G.
Molecular consequence: intron variant.
Genome position (GRCh38, 1-based): chr19:43,526,358, G>C on the plus strand (C>G on the coding strand, the complement: ETHE1 is on the minus strand). VCF-style: chr19-43526358-G-C. GRCh37 (hg19) VCF-style: chr19-44030510-G-C.
Other names: c.81+739C>G (NM_001320869.2); c.6+157C>G (NM_001320868.2); c.227-42C>G (NM_001320867.2).
Identifiers: ClinVar variation 137237 (VCV000137237.25), dbSNP rs199921503, ClinGen allele CA290777.

ClinVar aggregate classification (germline): Benign. Review status: reviewed by expert panel (3 of 4 stars). 7 submissions from 7 submitters: Benign (1). 6 of the submissions do not count toward it. Last evaluated 2021-07-27.

Conditions:
Ethylmalonic encephalopathy (EE). Also called: Syndrome of encephalopathy, petechiae, and ethylmalonic aciduria; EPEMA syndrome; Encephalopathy, petechiae, and ethylmalonic aciduria. Identifiers: Orphanet 51188, MedGen C1865349, MONDO:0011229, OMIM 602473. Disease mechanism: loss of function.

Allele frequency attached by ClinVar (database versions not stated): 1000 Genomes Project 30x 0.00047; 1000 Genomes Project 0.00060; TOPMed 0.00221; ESP Exome Variant Server 0.00323; gnomAD 0.00367.
gnomAD v4.1: 5,518 of 1,614,132 alleles (0.34%); highest among the groups gnomAD compares: Non-Finnish European, 0.37%; 16 homozygotes.

Submissions (20):

ClinGen Mitochondrial Disease Nuclear and Mitochondrial  Variant Curation Expert Panel, ClinGen
Classification: Benign for Ethylmalonic encephalopathy. Last evaluated: 2021-07-27. Review status: reviewed by expert panel. Criteria: clingen mito disease acmg specifications v1-1. Collection method: curation. Allele origin: germline. Inheritance: Autosomal recessive inheritance.
Comment: The c.227-9C>G (NM_014297.5) variant in ETHE1 is an intronic variant which is located in intron 2 (intron 2/6). The highest population minor allele frequency for the c.227-9C>G in gnomAD v2.1.1 is 0.00321 (905/282370 alleles, no homozygotes) in the general population, which is higher than the ClinGen ETHE1 threshold >0.001 for BA1, and therefore meets this criterion (BA1). In summary, this variant meets the criteria to be classified as benign, and therefore not causative of Autosomal Recessive Ethylmalonic Encephalopathy. ACMG/AMP criteria applied, as specified by the ClinGen ETHE1 VCEP (version 1.0): BA1. Approved 7/6/2021.

Labcorp Genetics (formerly Invitae), Labcorp
Classification: Benign for Ethylmalonic encephalopathy. Last evaluated: 2026-02-02. Review status: criteria provided, single submitter. Criteria: Invitae Variant Classification Sherloc (09022015). Collection method: clinical testing. Allele origin: germline. Not counted in ClinVar's aggregate classification.

Blueprint Genetics
Classification: Likely benign. Last evaluated: 2024-11-28. Review status: criteria provided, single submitter. Criteria: ACMG Guidelines, 2015. Collection method: clinical testing. Allele origin: germline. Not counted in ClinVar's aggregate classification.

Illumina Laboratory Services, Illumina
Classification: Likely benign for Ethylmalonic encephalopathy. Last evaluated: 2018-01-13. Review status: criteria provided, single submitter. Criteria: ICSL Variant Classification Criteria 13 December 2019. Collection method: clinical testing. Allele origin: germline. Not counted in ClinVar's aggregate classification.
Comment: This variant was observed in the ICSL laboratory as part of a predisposition screen in an ostensibly healthy population. It had not been previously curated by ICSL or reported in the Human Gene Mutation Database (HGMD: prior to June 1st, 2018), and was therefore a candidate for classification through an automated scoring system. Utilizing variant allele frequency, disease prevalence and penetrance estimates, and inheritance mode, an automated score was calculated to assess if this variant is too frequent to cause the disease. Based on the score and internal cut-off values, a variant classified as likely benign is not then subjected to further curation. The score for this variant resulted in a classification of likely benign for this disease.

GeneDx
Classification: Benign. Last evaluated: 2013-01-18. Review status: criteria provided, single submitter. Criteria: GeneDx Variant Classification (06012015). Collection method: clinical testing. Allele origin: germline. Affected: yes. Not counted in ClinVar's aggregate classification.
Comment: This variant is considered likely benign or benign based on one or more of the following criteria: it is a conservative change, it occurs at a poorly conserved position in the protein, it is predicted to be benign by multiple in silico algorithms, and/or has population frequency not consistent with disease.

Natera, Inc.
Classification: Likely benign for Ethylmalonic encephalopathy. Last evaluated: 2019-12-10. Review status: no assertion criteria provided. Collection method: clinical testing. Allele origin: germline. Not counted in ClinVar's aggregate classification.

Mayo Clinic Laboratories, Mayo Clinic
Classification: Likely benign. Last evaluated: 2016-02-26. Review status: no assertion criteria provided. Collection method: clinical testing. Allele origin: unknown. Not counted in ClinVar's aggregate classification.

Dr. Peter K. Rogan Lab, Western University
No classification provided (evidence only). Condition: Lung cancer. Review status: no classification provided. Collection method: in vitro. Allele origin: not applicable. Functional consequence: retained intron. Not counted in ClinVar's aggregate classification.

Dr. Peter K. Rogan Lab, Western University
No classification provided (evidence only). Condition: Lung cancer. Review status: no classification provided. Collection method: in vitro. Allele origin: not applicable. Functional consequence: retained intron. Not counted in ClinVar's aggregate classification.

Dr. Peter K. Rogan Lab, Western University
No classification provided (evidence only). Condition: Lung cancer. Review status: no classification provided. Collection method: in vitro. Allele origin: not applicable. Functional consequence: retained intron. Not counted in ClinVar's aggregate classification.

Dr. Peter K. Rogan Lab, Western University
No classification provided (evidence only). Condition: Familial cancer of breast. Review status: no classification provided. Collection method: in vitro. Allele origin: not applicable. Functional consequence: skipped exon, retained intron. Not counted in ClinVar's aggregate classification.

Dr. Peter K. Rogan Lab, Western University
No classification provided (evidence only). Condition: Acute myeloid leukemia. Review status: no classification provided. Collection method: in vitro. Allele origin: not applicable. Functional consequence: retained intron. Not counted in ClinVar's aggregate classification.

Dr. Peter K. Rogan Lab, Western University
No classification provided (evidence only). Condition: Acute myeloid leukemia. Review status: no classification provided. Collection method: in vitro. Allele origin: not applicable. Functional consequence: retained intron. Not counted in ClinVar's aggregate classification.

Dr. Peter K. Rogan Lab, Western University
No classification provided (evidence only). Condition: Acute myeloid leukemia. Review status: no classification provided. Collection method: in vitro. Allele origin: not applicable. Functional consequence: retained intron. Not counted in ClinVar's aggregate classification.

Dr. Peter K. Rogan Lab, Western University
No classification provided (evidence only). Condition: Acute myeloid leukemia. Review status: no classification provided. Collection method: in vitro. Allele origin: not applicable. Functional consequence: retained intron. Not counted in ClinVar's aggregate classification.

Dr. Peter K. Rogan Lab, Western University
No classification provided (evidence only). Condition: Uterine corpus endometrial carcinoma. Review status: no classification provided. Collection method: in vitro. Allele origin: not applicable. Functional consequence: skipped exon. Not counted in ClinVar's aggregate classification.

Dr. Peter K. Rogan Lab, Western University
No classification provided (evidence only). Condition: Cervical cancer. Review status: no classification provided. Collection method: in vitro. Allele origin: not applicable. Functional consequence: retained intron. Not counted in ClinVar's aggregate classification.

Dr. Peter K. Rogan Lab, Western University
No classification provided (evidence only). Condition: Sarcoma. Review status: no classification provided. Collection method: in vitro. Allele origin: not applicable. Functional consequence: retained intron. Not counted in ClinVar's aggregate classification.

Dr. Peter K. Rogan Lab, Western University
No classification provided (evidence only). Condition: Thymoma. Review status: no classification provided. Collection method: in vitro. Allele origin: not applicable. Functional consequence: retained intron. Not counted in ClinVar's aggregate classification.

Dr. Peter K. Rogan Lab, Western University
No classification provided (evidence only). Condition: Gastric cancer. Review status: no classification provided. Collection method: in vitro. Allele origin: not applicable. Functional consequence: retained intron. Not counted in ClinVar's aggregate classification.